The following is an entry in ClinVar:

ClinVar aggregate classification (germline): Uncertain significance. Review status: criteria provided, multiple submitters, no conflicts (2 of 4 stars). 3 submissions from 3 submitters: Uncertain significance (3). Last evaluated 2026-08-28.

Conditions:
Bilateral microtia-deafness-cleft palate syndrome. Identifiers: Orphanet 140963, MedGen C2676772, MONDO:0012854, OMIM 612290.
HOXA2-related disorder. Also called: HOXA2-related condition.

Allele frequency attached by ClinVar (database versions not stated): gnomAD 0.00004 and 0.00006; TOPMed 0.00007; 1000 Genomes Project 30x 0.00078; 1000 Genomes Project 0.00100.
gnomAD v4.1: 28 of 1,614,094 alleles (0.0017%); highest among the groups gnomAD compares: African/African-American, 0.028%; no homozygotes.

Submissions (3):

PreventionGenetics, part of Exact Sciences
Classification: Uncertain significance for HOXA2-related condition. Last evaluated: 2026-08-28. Review status: criteria provided, single submitter. Criteria: ACMG Guidelines, 2015. Collection method: clinical testing. Allele origin: germline.
Comment: The HOXA2 c.80C>G variant is predicted to result in the amino acid substitution p.Pro27Arg. To our knowledge, this variant has not been reported in the literature. This variant is reported in 0.024% of alleles in individuals of African descent in gnomAD. At this time, the clinical significance of this variant is uncertain due to the absence of conclusive functional and genetic evidence.

Illumina Laboratory Services, Illumina
Classification: Uncertain significance for Bilateral microtia-deafness-cleft palate syndrome. Last evaluated: 2018-01-13. Review status: criteria provided, single submitter. Criteria: ICSL Variant Classification Criteria 13 December 2019. Collection method: clinical testing. Allele origin: germline.

Breakthrough Genomics
Classification: Uncertain significance. Review status: criteria provided, single submitter. Criteria: ACMG Guidelines, 2015. Collection method: not provided. Allele origin: germline. Inheritance: Autosomal recessive inheritance. Affected: yes.

NM_006735.4(HOXA2):c.80C>G (p.Pro27Arg)

Gene: HOXA2 (homeobox A2; minus strand). Cytogenetic location: 7p15.2.
Variant type: single nucleotide variant.
Coding change: c.80C>G on transcript NM_006735.4 (MANE Select); coding-DNA position 80, C replaced by G.
Protein change: p.Pro27Arg; replaces proline 27 with arginine.
Molecular consequence: missense variant.
Genome position (GRCh38, 1-based): chr7:27,102,421, G>C on the plus strand (C>G on the coding strand, the complement: HOXA2 is on the minus strand). VCF-style: chr7-27102421-G-C. GRCh37 (hg19) VCF-style: chr7-27142040-G-C.
Other names: short protein forms P27R.
Identifiers: ClinVar variation 909468 (VCV000909468.6), dbSNP rs187162003, ClinGen allele CA4196308.